The following is an entry in ClinVar:

ClinVar aggregate classification (germline): Uncertain significance. Review status: criteria provided, multiple submitters, no conflicts (2 of 4 stars). 2 submissions from 2 submitters: Uncertain significance (2). Last evaluated 2022-05-04.

Conditions:
Weill-Marchesani syndrome 3 (WMS3). Also called: Weill-Marchesani syndrome 3, recessive; LTBP2-Related Weill-Marchesani Syndrome. Identifiers: Orphanet 3449, MedGen C3553785, MONDO:0013899, OMIM 614819.
Glaucoma 3, primary congenital, D. Identifiers: Orphanet 98976, MedGen C2751316, MONDO:0013122, OMIM 613086.
Microspherophakia and/or megalocornea, with ectopia lentis and with or without secondary glaucoma (MSPKA). Identifiers: Orphanet 238763, MedGen C3538951, MONDO:0009633, OMIM 251750.
Glaucoma 3, primary infantile, B. Also called: GLAUCOMA, PRIMARY CONGENITAL, TYPE B; GLC3B; GLC3 type B; Primary congenital glaucoma type 3B; Glaucoma primary congenita type 3B. Identifiers: Orphanet 98976, MedGen C1832977, MONDO:0010968, OMIM 600975.

Allele frequency attached by ClinVar (database versions not stated): gnomAD exomes 0.00003; TOPMed 0.00006; ExAC 0.00007.
gnomAD v4.1: 49 of 1,613,870 alleles (0.003%); highest among the groups gnomAD compares: Non-Finnish European, 0.0037%; no homozygotes.

Submissions (2):

Labcorp Genetics (formerly Invitae), Labcorp
Classification: Uncertain significance. Last evaluated: 2022-05-04. Review status: criteria provided, single submitter. Criteria: Invitae Variant Classification Sherloc (09022015). Collection method: clinical testing. Allele origin: germline.
Comment: This sequence change replaces glycine, which is neutral and non-polar, with arginine, which is basic and polar, at codon 1416 of the LTBP2 protein (p.Gly1416Arg). This variant is present in population databases (rs764828666, gnomAD 0.005%). This variant has not been reported in the literature in individuals affected with LTBP2-related conditions. Algorithms developed to predict the effect of missense changes on protein structure and function are either unavailable or do not agree on the potential impact of this missense change (SIFT: "Tolerated"; PolyPhen-2: "Possibly Damaging"; Align-GVGD: "Class C0"). Algorithms developed to predict the effect of sequence changes on RNA splicing suggest that this variant may create or strengthen a splice site. In summary, the available evidence is currently insufficient to determine the role of this variant in disease. Therefore, it has been classified as a Variant of Uncertain Significance.

Fulgent Genetics
Classification: Uncertain significance for Microspherophakia and/or megalocornea, with ectopia lentis and with or without secondary glaucoma; Glaucoma 3, primary infantile, B; Glaucoma 3, primary congenital, D; Weill-Marchesani syndrome 3. Last evaluated: 2021-11-07. Review status: criteria provided, single submitter. Criteria: ACMG Guidelines, 2015. Collection method: clinical testing. Allele origin: unknown.

NM_000428.3(LTBP2):c.4246G>A (p.Gly1416Arg)

Gene: LTBP2 (latent transforming growth factor beta binding protein 2; minus strand). Cytogenetic location: 14q24.3.
Variant type: single nucleotide variant.
Coding change: c.4246G>A on transcript NM_000428.3 (MANE Select); coding-DNA position 4246, G replaced by A.
Protein change: p.Gly1416Arg; replaces glycine 1416 with arginine.
Molecular consequence: missense variant.
Genome position (GRCh38, 1-based): chr14:74,505,106, C>T on the plus strand (G>A on the coding strand, the complement: LTBP2 is on the minus strand). VCF-style: chr14-74505106-C-T. GRCh37 (hg19) VCF-style: chr14-74971809-C-T.
Other names: short protein forms G1416R.
Identifiers: ClinVar variation 1514082 (VCV001514082.4), dbSNP rs764828666, ClinGen allele CA7268811.